The following is an entry in ClinVar:

ClinVar aggregate classification (germline): Conflicting classifications of pathogenicity. Review status: criteria provided, conflicting classifications (1 of 4 stars). 3 submissions from 3 submitters: Uncertain significance (1); Likely benign (2). Last evaluated 2025-08-07.

Conditions:
Familial sleep-related hypermotor epilepsy. Also called: Autosomal Dominant Sleep-Related Hypermotor (Hyperkinetic) Epilepsy. Identifiers: Orphanet 98784, MedGen C3696898, MONDO:0000030.
Inborn genetic diseases. Identifiers: MedGen C0950123, MeSH D030342.

Allele frequency attached by ClinVar (database versions not stated): gnomAD 0.00002 and 0.00001; gnomAD exomes 0.00002 and 0.00001; TOPMed 0.00001.
gnomAD v4.1: 14 of 1,610,194 alleles (0.00087%); highest among the groups gnomAD compares: Middle Eastern, 0.017%; no homozygotes.

Submissions (3):

GeneDx
Classification: Uncertain significance. Last evaluated: 2025-08-07. Review status: criteria provided, single submitter. Criteria: GeneDx Variant Classification Process June 2021. Collection method: clinical testing. Allele origin: germline. Affected: yes.
Comment: In silico analysis supports that this missense variant has a deleterious effect on protein structure/function; Has not been previously published as pathogenic or benign to our knowledge

Labcorp Genetics (formerly Invitae), Labcorp
Classification: Likely benign. Last evaluated: 2025-03-24. Review status: criteria provided, single submitter. Criteria: Invitae Variant Classification Sherloc (09022015). Collection method: clinical testing. Allele origin: germline.

Ambry Genetics
Classification: Likely benign for Inborn genetic diseases. Last evaluated: 2024-04-06. Review status: criteria provided, single submitter. Criteria: Ambry Variant Classification Scheme 2023. Collection method: clinical testing. Allele origin: germline.

NM_000742.4(CHRNA2):c.1145G>A (p.Arg382Gln)

Gene: CHRNA2 (cholinergic receptor nicotinic alpha 2 subunit; minus strand). Cytogenetic location: 8p21.2.
Variant type: single nucleotide variant.
Coding change: c.1145G>A on transcript NM_000742.4 (MANE Select); coding-DNA position 1145, G replaced by A.
Protein change: p.Arg382Gln; replaces arginine 382 with glutamine.
Molecular consequence: missense variant.
Genome position (GRCh38, 1-based): chr8:27,463,298, C>T on the plus strand (G>A on the coding strand, the complement: CHRNA2 is on the minus strand). VCF-style: chr8-27463298-C-T. GRCh37 (hg19) VCF-style: chr8-27320815-C-T.
Other names: c.1100G>A, p.Arg367Gln (NM_001282455.2); c.668G>A, p.Arg223Gln (NM_001347705.2, NM_001347706.2); c.551G>A, p.Arg184Gln (NM_001347707.2, NM_001347708.2); short protein forms R367Q, R184Q, R223Q, R382Q.
Identifiers: ClinVar variation 841697 (VCV000841697.9), dbSNP rs888244000, ClinGen allele CA174241513.